The following is an entry in ClinVar:

ClinVar aggregate classification (germline): Likely benign (1 of 4 stars; one submission).

Submission:

CeGaT Center for Human Genetics Tuebingen
Classification: Likely benign. Last evaluated: 2024-11-01. Review status: criteria provided, single submitter. Criteria: CeGaT Center For Human Genetics Tuebingen Variant Classification Criteria Version 2. Collection method: clinical testing. Allele origin: germline. Affected: yes. Observed: 1 variant allele.
Comment: FOXP2: BP4, BP7

NM_014491.4(FOXP2):c.792T>G (p.Ala264=)

Gene: FOXP2 (forkhead box P2; plus strand). Cytogenetic location: 7q31.1.
Variant type: single nucleotide variant.
Coding change: c.792T>G on transcript NM_014491.4 (MANE Select); coding-DNA position 792, T replaced by G.
Protein change: p.Ala264=; no amino-acid change (alanine 264 retained).
Molecular consequence: synonymous variant. On other transcripts: non-coding transcript variant (2).
Genome position (GRCh38, 1-based): chr7:114,642,426, T>G. VCF-style: chr7-114642426-T-G. GRCh37 (hg19) VCF-style: chr7-114282481-T-G.
Other names: c.789T>G, p.Ala263= (NM_001172766.3); c.867T>G, p.Ala289= (NM_001172767.2, NM_148898.4); c.792T>G, p.Ala264= (NM_148899.3); c.843T>G, p.Ala281= (NM_148900.4).
Identifiers: ClinVar variation 3389099 (VCV003389099.14).